The following is an entry in ClinVar:

ClinVar aggregate classification (germline): Benign/Likely benign. Review status: criteria provided, multiple submitters, no conflicts (2 of 4 stars). 4 submissions from 4 submitters: Benign (1); Likely benign (3). Last evaluated 2026-02-01.

Conditions:
SDHA-related disorder. Also called: SDHA-related condition; SDHA-related disorders.
Pheochromocytoma/paraganglioma syndrome 5. Also called: Paragangliomas 5; SDHA-Related Hereditary Paraganglioma-Pheochromocytoma Syndrome. Identifiers: Orphanet 29072, MedGen C3279992, MONDO:0013602, OMIM 614165.
Mitochondrial complex II deficiency, nuclear type 1. Also called: SUCCINATE CoQ REDUCTASE DEFICIENCY. Identifiers: Orphanet 3208, MedGen C5700310, MONDO:0100294, OMIM 252011.
Hereditary cancer-predisposing syndrome. Also called: Neoplastic Syndromes, Hereditary; Hereditary Cancer Syndrome; Tumor predisposition; Hereditary neoplastic syndrome. Identifiers: Orphanet 140162, MedGen C0027672, MeSH D009386, MONDO:0015356.

Allele frequency attached by ClinVar (database versions not stated): TOPMed 0.00012; ExAC 0.00002; gnomAD exomes 0.00002; ESP Exome Variant Server 0.00008; gnomAD 0.00011 and 0.00012.
gnomAD v4.1: 32 of 1,613,856 alleles (0.002%); highest among the groups gnomAD compares: African/African-American, 0.036%; no homozygotes.

Submissions (4):

Labcorp Genetics (formerly Invitae), Labcorp
Classification: Likely benign for Pheochromocytoma/paraganglioma syndrome 5; Mitochondrial complex II deficiency, nuclear type 1. Last evaluated: 2026-02-01. Review status: criteria provided, single submitter. Criteria: Invitae Variant Classification Sherloc (09022015). Collection method: clinical testing. Allele origin: germline.

PreventionGenetics, part of Exact Sciences
Classification: Likely benign for SDHA-related condition. Last evaluated: 2025-08-30. Review status: criteria provided, single submitter. Criteria: ACMG Guidelines, 2015. Collection method: clinical testing. Allele origin: germline.
Comment: This variant is classified as likely benign based on ACMG/AMP sequence variant interpretation guidelines (Richards et al. 2015 PMID: 25741868, with internal and published modifications).

Myriad Genetics, Inc.
Classification: Benign for Pheochromocytoma/paraganglioma syndrome 5. Last evaluated: 2025-03-11. Review status: criteria provided, single submitter. Criteria: Myriad Autosomal Dominant, Autosomal Recessive and X-Linked Classification Criteria (2023). Collection method: clinical testing. Allele origin: unknown.
Comment: This variant is considered benign. This variant is a silent/synonymous amino acid change and it is not expected to impact splicing.

Ambry Genetics
Classification: Likely benign for Hereditary cancer-predisposing syndrome. Last evaluated: 2020-05-27. Review status: criteria provided, single submitter. Criteria: Ambry Variant Classification Scheme 2023. Collection method: clinical testing. Allele origin: germline.

NM_004168.4(SDHA):c.1770C>T (p.Gly590=)

Gene: SDHA (succinate dehydrogenase complex flavoprotein subunit A; plus strand). Cytogenetic location: 5p15.33.
Variant type: single nucleotide variant.
Coding change: c.1770C>T on transcript NM_004168.4 (MANE Select); coding-DNA position 1770, C replaced by T.
Protein change: p.Gly590=; no amino-acid change (glycine 590 retained).
Molecular consequence: synonymous variant. On other transcripts: intron variant (1).
Genome position (GRCh38, 1-based): chr5:251,444, C>T. VCF-style: chr5-251444-C-T. GRCh37 (hg19) VCF-style: chr5-251559-C-T.
Other names: c.1626C>T, p.Gly542= (NM_001294332.2); c.1552-2949C>T (NM_001330758.2).
Identifiers: ClinVar variation 472354 (VCV000472354.14), dbSNP rs142457602, ClinGen allele CA3173351.